The following is an entry in ClinVar:

NM_001256317.3(TMPRSS3):c.856T>A (p.Leu286Met)

Gene: TMPRSS3 (transmembrane serine protease 3; minus strand). Cytogenetic location: 21q22.3.
Variant type: single nucleotide variant.
Coding change: c.856T>A on transcript NM_001256317.3 (MANE Select); coding-DNA position 856, T replaced by A.
Protein change: p.Leu286Met; replaces leucine 286 with methionine.
Molecular consequence: missense variant.
Genome position (GRCh38, 1-based): chr21:42,382,161, A>T on the plus strand (T>A on the coding strand, the complement: TMPRSS3 is on the minus strand). VCF-style: chr21-42382161-A-T. GRCh37 (hg19) VCF-style: chr21-43802270-A-T.
Other names: c.856T>A, p.Leu286Met (NM_024022.4, NM_032405.2); c.475T>A, p.Leu159Met (NM_032404.3); short protein forms L159M, L286M.
Identifiers: ClinVar variation 895548 (VCV000895548.6), dbSNP rs147189374, ClinGen allele CA10042443.

ClinVar aggregate classification (germline): Uncertain significance. Review status: criteria provided, multiple submitters, no conflicts (2 of 4 stars). 3 submissions from 3 submitters: Uncertain significance (3). Last evaluated 2025-09-30.

Conditions:
TMPRSS3-related disorder. Also called: TMPRSS3-related condition.
Autosomal recessive nonsyndromic hearing loss 8 (DFNB8). Also called: Deafness, autosomal recessive 10; NEUROSENSORY NONSYNDROMIC RECESSIVE DEAFNESS 8. Identifiers: Orphanet 90636, MedGen C1832827, MONDO:0010987, OMIM 601072.

Allele frequency attached by ClinVar (database versions not stated): gnomAD exomes 0.00001 and 0.00013; ExAC 0.00002; gnomAD 0.00007 and 0.00009; TOPMed 0.00008; ESP Exome Variant Server 0.00015.
gnomAD v4.1: 197 of 1,614,068 alleles (0.012%); highest among the groups gnomAD compares: Non-Finnish European, 0.016%; no homozygotes.

Submissions (3):

PreventionGenetics, part of Exact Sciences
Classification: Uncertain significance for TMPRSS3-related condition. Last evaluated: 2025-09-30. Review status: criteria provided, single submitter. Criteria: ACMG Guidelines, 2015. Collection method: clinical testing. Allele origin: germline.
Comment: The TMPRSS3 c.856T>A variant is predicted to result in the amino acid substitution p.Leu286Met. To our knowledge, this variant has not been reported in the literature. This variant is reported in 0.0027% of alleles in individuals of European (Non-Finnish) descent in gnomAD. At this time, the clinical significance of this variant is uncertain due to the absence of conclusive functional and genetic evidence.

GeneDx
Classification: Uncertain significance. Last evaluated: 2025-01-08. Review status: criteria provided, single submitter. Criteria: GeneDx Variant Classification Process June 2021. Collection method: clinical testing. Allele origin: germline.
Comment: Not observed at significant frequency in large population cohorts (gnomAD); In silico analysis indicates that this missense variant does not alter protein structure/function; Has not been previously published as pathogenic or benign to our knowledge

Illumina Laboratory Services, Illumina
Classification: Uncertain significance for Autosomal recessive nonsyndromic hearing loss 8. Last evaluated: 2018-02-02. Review status: criteria provided, single submitter. Criteria: ICSL Variant Classification Criteria 13 December 2019. Collection method: clinical testing. Allele origin: germline.